The following is an entry in ClinVar:

NM_005431.2(XRCC2):c.300A>G (p.Leu100=)

Gene: XRCC2 (X-ray repair cross complementing 2; minus strand). Cytogenetic location: 7q36.1.
Variant type: single nucleotide variant.
Coding change: c.300A>G on transcript NM_005431.2 (MANE Select); coding-DNA position 300, A replaced by G.
Protein change: p.Leu100=; no amino-acid change (leucine 100 retained).
Molecular consequence: synonymous variant.
Genome position (GRCh38, 1-based): chr7:152,649,185, T>C on the plus strand (A>G on the coding strand, the complement: XRCC2 is on the minus strand). VCF-style: chr7-152649185-T-C. GRCh37 (hg19) VCF-style: chr7-152346270-T-C.
Identifiers: ClinVar variation 379515 (VCV000379515.18), dbSNP rs146700851, ClinGen allele CA4582360.

ClinVar aggregate classification (germline): Benign/Likely benign. Review status: criteria provided, multiple submitters, no conflicts (2 of 4 stars). 6 submissions from 6 submitters: Benign (4); Likely benign (2). Last evaluated 2026-01-24.

Conditions:
Fanconi anemia complementation group U. Identifiers: MedGen C4310651, MONDO:0014987, OMIM 617247.
Hereditary cancer-predisposing syndrome. Also called: Tumor predisposition; Neoplastic Syndromes, Hereditary; Hereditary neoplastic syndrome; Hereditary Cancer Syndrome. Identifiers: Orphanet 140162, MedGen C0027672, MeSH D009386, MONDO:0015356.

Allele frequency attached by ClinVar (database versions not stated): gnomAD 0.00001 and 0.00013; TOPMed 0.00002; ESP Exome Variant Server 0.00008; gnomAD exomes 0.00026 and 0.00050; 1000 Genomes Project 30x 0.00031; 1000 Genomes Project 0.00040; ExAC 0.00066.
gnomAD v4.1: 388 of 1,613,792 alleles (0.024%); highest among the groups gnomAD compares: South Asian, 0.41%; 8 homozygotes.

Submissions (6):

Labcorp Genetics (formerly Invitae), Labcorp
Classification: Benign. Last evaluated: 2026-01-24. Review status: criteria provided, single submitter. Criteria: Invitae Variant Classification Sherloc (09022015). Collection method: clinical testing. Allele origin: germline.

Quest Diagnostics Nichols Institute San Juan Capistrano
Classification: Benign. Last evaluated: 2025-05-26. Review status: criteria provided, single submitter. Criteria: Quest Diagnostics criteria. Collection method: clinical testing. Allele origin: unknown.

Blueprint Genetics
Classification: Likely benign. Last evaluated: 2024-09-11. Review status: criteria provided, single submitter. Criteria: ACMG Guidelines, 2015. Collection method: clinical testing. Allele origin: germline.

KCCC/NGS Laboratory, Kuwait Cancer Control Center
Classification: Benign for Fanconi anemia complementation group U. Last evaluated: 2023-07-07. Review status: criteria provided, single submitter. Criteria: ACMG Guidelines, 2015. Collection method: clinical testing. Allele origin: germline. Affected: yes.

Ambry Genetics
Classification: Likely benign for Hereditary cancer-predisposing syndrome. Last evaluated: 2018-08-31. Review status: criteria provided, single submitter. Criteria: Ambry Variant Classification Scheme 2023. Collection method: clinical testing. Allele origin: germline.

GeneDx
Classification: Benign. Last evaluated: 2015-06-09. Review status: criteria provided, single submitter. Criteria: GeneDx Variant Classification (06012015). Collection method: clinical testing. Allele origin: germline. Affected: yes.
Comment: This variant is considered likely benign or benign based on one or more of the following criteria: it is a conservative change, it occurs at a poorly conserved position in the protein, it is predicted to be benign by multiple in silico algorithms, and/or has population frequency not consistent with disease.